The following is an entry in ClinVar:

NM_177438.3(DICER1):c.1254T>A (p.Asp418Glu)

Gene: DICER1 (dicer 1, ribonuclease III; minus strand). Cytogenetic location: 14q32.13.
Variant type: single nucleotide variant.
Coding change: c.1254T>A on transcript NM_177438.3 (MANE Select); coding-DNA position 1254, T replaced by A.
Protein change: p.Asp418Glu; replaces aspartic acid 418 with glutamic acid.
Molecular consequence: missense variant.
Genome position (GRCh38, 1-based): chr14:95,124,318, A>T on the plus strand (T>A on the coding strand, the complement: DICER1 is on the minus strand). VCF-style: chr14-95124318-A-T. GRCh37 (hg19) VCF-style: chr14-95590655-A-T.
Other names: c.1254T>A, p.Asp418Glu (NM_001195573.1, NM_001271282.3, NM_001291628.2 and 1 more transcripts); c.1254T>A (NM_177438.2); short protein forms D418E.
Identifiers: ClinVar variation 1512912 (VCV001512912.10), dbSNP rs988056610, ClinGen allele CA390886483.
Genomic context (GRCh38, chr14:95,124,318, plus strand): 5'-AAAAGGAGAAGGAAAATTTGTCTCTGGCTTCTCTTTTTCTTCAATTTCTTCATCCTCATC[A>T]TCATCCTCAGAATCACTCCATGACACATAATTATCCTGATTTCTATTATTATACCACTCA-3'
Protein context (NP_803187.1, residues 408-428): NYVSWSDSED[Asp418Glu]DEDEEIEEKE

ClinVar aggregate classification (germline): Uncertain significance. Review status: criteria provided, multiple submitters, no conflicts (2 of 4 stars). 2 submissions from 2 submitters: Uncertain significance (2). Last evaluated 2026-08-18.

Conditions:
Hereditary cancer-predisposing syndrome. Also called: Hereditary Cancer Syndrome; Tumor predisposition; Neoplastic Syndromes, Hereditary; Hereditary neoplastic syndrome. Identifiers: Orphanet 140162, MedGen C0027672, MeSH D009386, MONDO:0015356.
DICER1-related tumor predisposition. Also called: DICER1-related pleuropulmonary blastoma cancer predisposition syndrome; DICER1 syndrome. Identifiers: Orphanet 284343, MedGen C3839822, MONDO:0100216.

Submissions (2):

Ambry Genetics
Classification: Uncertain significance for Hereditary cancer-predisposing syndrome. Last evaluated: 2026-08-18. Review status: criteria provided, single submitter. Criteria: Ambry Variant Classification Scheme 2023. Collection method: clinical testing. Allele origin: germline.
Comment: The p.D418E variant (also known as c.1254T>A), located in coding exon 7 of the DICER1 gene, results from a T to A substitution at nucleotide position 1254. The aspartic acid at codon 418 is replaced by glutamic acid, an amino acid with highly similar properties. This amino acid position is conserved. In addition, this alteration is predicted to be tolerated by in silico analysis. Based on the available evidence, the clinical significance of this variant remains unclear.

Labcorp Genetics (formerly Invitae), Labcorp
Classification: Uncertain significance for DICER1-related tumor predisposition. Last evaluated: 2021-02-22. Review status: criteria provided, single submitter. Criteria: Invitae Variant Classification Sherloc (09022015). Collection method: clinical testing. Allele origin: germline.
Comment: In summary, the available evidence is currently insufficient to determine the role of this variant in disease. Therefore, it has been classified as a Variant of Uncertain Significance. Algorithms developed to predict the effect of missense changes on protein structure and function output the following: SIFT: "Tolerated"; PolyPhen-2: "Benign"; Align-GVGD: "Class C0". The glutamic acid amino acid residue is found in multiple mammalian species, suggesting that this missense change does not adversely affect protein function. These predictions have not been confirmed by published functional studies and their clinical significance is uncertain. This variant has not been reported in the literature in individuals with DICER1-related conditions. This variant is not present in population databases (ExAC no frequency). This sequence change replaces aspartic acid with glutamic acid at codon 418 of the DICER1 protein (p.Asp418Glu). The aspartic acid residue is moderately conserved and there is a small physicochemical difference between aspartic acid and glutamic acid.